The following is an entry in ClinVar:

ClinVar aggregate classification (germline): Conflicting classifications of pathogenicity. Review status: criteria provided, conflicting classifications (1 of 4 stars). 2 submissions from 2 submitters: Uncertain significance (1); Likely benign (1). Last evaluated 2023-03-23.

Conditions:
Hereditary cancer-predisposing syndrome. Also called: Neoplastic Syndromes, Hereditary; Tumor predisposition; Hereditary neoplastic syndrome; Hereditary Cancer Syndrome. Identifiers: Orphanet 140162, MedGen C0027672, MeSH D009386, MONDO:0015356.

Submissions (2):

University of Washington Department of Laboratory Medicine, University of Washington
Classification: Likely benign for Hereditary cancer-predisposing syndrome. Last evaluated: 2023-03-23. Review status: criteria provided, single submitter. Criteria: Dines et al. (Genet Med. 2020). Collection method: curation. Allele origin: germline.
Comment: Missense variant in a coldspot region where missense variants are very unlikely to be pathogenic (PMID:31911673).

BRCA2 exon 11 coldspot. Reclassification based on statistical prior probability.

Color Diagnostics, LLC DBA Color Health
Classification: Uncertain significance for Hereditary cancer-predisposing syndrome. Last evaluated: 2019-05-03. Review status: criteria provided, single submitter. Criteria: ACMG Guidelines, 2015. Collection method: clinical testing. Allele origin: germline.

NM_000059.4(BRCA2):c.3273A>C (p.Leu1091Phe)

Gene: BRCA2 (BRCA2 DNA repair associated; plus strand). Cytogenetic location: 13q13.1.
Variant type: single nucleotide variant.
Coding change: c.3273A>C on transcript NM_000059.4 (MANE Select); coding-DNA position 3273, A replaced by C.
Protein change: p.Leu1091Phe; replaces leucine 1091 with phenylalanine.
Molecular consequence: missense variant.
Genome position (GRCh38, 1-based): chr13:32,337,628, A>C. VCF-style: chr13-32337628-A-C. GRCh37 (hg19) VCF-style: chr13-32911765-A-C.
Other names: short protein forms L1091F.
Identifiers: ClinVar variation 628069 (VCV000628069.5), dbSNP rs1566228204, ClinGen allele CA387776059.